The following is an entry in ClinVar:

ClinVar aggregate classification (germline): Likely benign (0 of 4 stars; one submission).

Conditions:
NLRP14-related disorder. Also called: NLRP14-related condition.

Allele frequency attached by ClinVar (database versions not stated): 1000 Genomes Project 30x 0.00031; 1000 Genomes Project 0.00040; TOPMed 0.00182; ExAC 0.00198; gnomAD 0.00224; ESP Exome Variant Server 0.00292; gnomAD exomes 0.00317.
gnomAD v4.1: 4,949 of 1,614,168 alleles (0.31%); highest among the groups gnomAD compares: Non-Finnish European, 0.36%; 12 homozygotes.

Submission:

PreventionGenetics, part of Exact Sciences
Classification: Likely benign for NLRP14-related condition. Last evaluated: 2019-02-28. Review status: no assertion criteria provided. Collection method: clinical testing. Allele origin: germline.
Comment: This variant is classified as likely benign based on ACMG/AMP sequence variant interpretation guidelines (Richards et al. 2015 PMID: 25741868, with internal and published modifications).

NM_176822.4(NLRP14):c.1452G>A (p.Gln484=)

Gene: NLRP14 (NLR family pyrin domain containing 14; plus strand). Cytogenetic location: 11p15.4.
Variant type: single nucleotide variant.
Coding change: c.1452G>A on transcript NM_176822.4 (MANE Select); coding-DNA position 1452, G replaced by A.
Protein change: p.Gln484=; no amino-acid change (glutamine 484 retained).
Molecular consequence: synonymous variant.
Genome position (GRCh38, 1-based): chr11:7,043,478, G>A. VCF-style: chr11-7043478-G-A. GRCh37 (hg19) VCF-style: chr11-7064709-G-A.
Identifiers: ClinVar variation 3044246 (VCV003044246.2), dbSNP rs150306147, ClinGen allele CA5864795.